The following is an entry in ClinVar:

ClinVar aggregate classification (germline): Uncertain significance. Review status: criteria provided, multiple submitters, no conflicts (2 of 4 stars). 2 submissions from 2 submitters: Uncertain significance (2). Last evaluated 2025-06-08.

Conditions:
Hereditary cancer-predisposing syndrome. Also called: Hereditary Cancer Syndrome; Tumor predisposition; Neoplastic Syndromes, Hereditary; Hereditary neoplastic syndrome. Identifiers: Orphanet 140162, MedGen C0027672, MeSH D009386, MONDO:0015356.
Bloom syndrome (BLM). Also called: Bloom-Torre-Machacek syndrome. Identifiers: Orphanet 125, MedGen C0005859, MONDO:0008876, OMIM 210900.

Submissions (2):

Ambry Genetics
Classification: Uncertain significance for Hereditary cancer-predisposing syndrome. Last evaluated: 2025-06-08. Review status: criteria provided, single submitter. Criteria: Ambry Variant Classification Scheme 2023. Collection method: clinical testing. Allele origin: germline.
Comment: The p.A945T variant (also known as c.2833G>A), located in coding exon 14 of the BLM gene, results from a G to A substitution at nucleotide position 2833. The alanine at codon 945 is replaced by threonine, an amino acid with similar properties. This amino acid position is conserved. In addition, this alteration is predicted to be deleterious by in silico analysis. Since supporting evidence is limited at this time, the clinical significance of this alteration remains unclear.

Labcorp Genetics (formerly Invitae), Labcorp
Classification: Uncertain significance for Bloom syndrome. Last evaluated: 2022-03-04. Review status: criteria provided, single submitter. Criteria: Invitae Variant Classification Sherloc (09022015). Collection method: clinical testing. Allele origin: germline.
Comment: This sequence change replaces alanine, which is neutral and non-polar, with threonine, which is neutral and polar, at codon 945 of the BLM protein (p.Ala945Thr). This variant is not present in population databases (gnomAD no frequency). This variant has not been reported in the literature in individuals affected with BLM-related conditions. ClinVar contains an entry for this variant (Variation ID: 1014498). Algorithms developed to predict the effect of missense changes on protein structure and function are either unavailable or do not agree on the potential impact of this missense change (SIFT: "Deleterious"; PolyPhen-2: "Probably Damaging"; Align-GVGD: "Class C0"). In summary, the available evidence is currently insufficient to determine the role of this variant in disease. Therefore, it has been classified as a Variant of Uncertain Significance.

NM_000057.4(BLM):c.2833G>A (p.Ala945Thr)

Gene: BLM (BLM RecQ like helicase; plus strand). Cytogenetic location: 15q26.1.
Variant type: single nucleotide variant.
Coding change: c.2833G>A on transcript NM_000057.4 (MANE Select); coding-DNA position 2833, G replaced by A.
Protein change: p.Ala945Thr; replaces alanine 945 with threonine.
Molecular consequence: missense variant.
Genome position (GRCh38, 1-based): chr15:90,790,658, G>A. VCF-style: chr15-90790658-G-A. GRCh37 (hg19) VCF-style: chr15-91333888-G-A.
Other names: c.2833G>A, p.Ala945Thr (NM_001287246.2, NM_001287247.2); c.1708G>A, p.Ala570Thr (NM_001287248.2); short protein forms A570T, A945T.
Identifiers: ClinVar variation 1014498 (VCV001014498.5), dbSNP rs1896880211, ClinGen allele CA393846235.